The following is an entry in ClinVar:

ClinVar aggregate classification (germline): Uncertain significance (1 of 4 stars; one submission).

Conditions:
Hereditary cancer-predisposing syndrome. Also called: Hereditary neoplastic syndrome; Hereditary Cancer Syndrome; Neoplastic Syndromes, Hereditary; Tumor predisposition. Identifiers: Orphanet 140162, MedGen C0027672, MeSH D009386, MONDO:0015356.

Allele frequency attached by ClinVar (database versions not stated): gnomAD exomes below 0.00001.
gnomAD v4.1: 1 of 1,613,512 alleles (0.000062%); highest among the groups gnomAD compares: Non-Finnish European, 0.000085%; no homozygotes.

Submission:

Ambry Genetics
Classification: Uncertain significance for Hereditary cancer-predisposing syndrome. Last evaluated: 2015-01-23. Review status: criteria provided, single submitter. Criteria: Ambry Autosomal Dominant and X-Linked criteria (10/2015). Collection method: clinical testing. Allele origin: germline. Observed: 1 variant allele.
Comment: Insufficient or conflicting evidence;Rarity in general population databases (dbsnp, esp, 1000 genomes)

NM_001042492.3(NF1):c.4138G>C (p.Ala1380Pro)

Gene: NF1 (neurofibromin 1; plus strand). Cytogenetic location: 17q11.2.
Variant type: single nucleotide variant.
Coding change: c.4138G>C on transcript NM_001042492.3 (MANE Select); coding-DNA position 4138, G replaced by C.
Protein change: p.Ala1380Pro; replaces alanine 1380 with proline.
Molecular consequence: missense variant. On other transcripts: intron variant (1).
Genome position (GRCh38, 1-based): chr17:31,252,965, G>C. VCF-style: chr17-31252965-G-C. GRCh37 (hg19) VCF-style: chr17-29579983-G-C.
Other names: c.4110+3846G>C (NM_000267.4); short protein forms A1380P.
Identifiers: ClinVar variation 229780 (VCV000229780.2), dbSNP rs876658191, ClinGen allele CA10580307.